The following is an entry in ClinVar:

NM_014324.6(AMACR):c.*13C>T

Genes: AMACR (alpha-methylacyl-CoA racemase; minus strand), C1QTNF3-AMACR (C1QTNF3-AMACR readthrough (NMD candidate); minus strand). Cytogenetic location: 5p13.2.
Variant type: single nucleotide variant.
Coding change: c.*13C>T on transcript NM_014324.6 (MANE Select); 13 bases downstream of the stop codon, C replaced by T.
Molecular consequence: 3 prime UTR variant. On other transcripts: non-coding transcript variant (1), intron variant (1).
Genome position (GRCh38, 1-based): chr5:33,989,080, G>A on the plus strand (C>T on the coding strand, the complement: AMACR is on the minus strand). VCF-style: chr5-33989080-G-A. GRCh37 (hg19) VCF-style: chr5-33989185-G-A.
Other names: c.*404C>T (NM_203382.3); c.1131+31C>T (NM_001167595.2).
Identifiers: ClinVar variation 4684829 (VCV004684829.2).
Genomic context (GRCh38, chr5:33,989,080, plus strand): 5'-TGCATACAATGTTATGTGTTACTCTACACTGTAAATGCAGTATTCAAATTCACTTGAGCC[G>A]TGGGCCTGGAAGTTAGAGACTAGCTTTTACCTTATTACTTTCAATGATTTTATCTGAGTT-3'

ClinVar aggregate classification (germline): Likely benign. Review status: criteria provided, multiple submitters, no conflicts (2 of 4 stars). 2 submissions from 2 submitters: Likely benign (2). Last evaluated 2025-05-01.

Submissions (2):

Mayo Clinic Laboratories, Mayo Clinic
Classification: Likely benign. Last evaluated: 2025-05-01. Review status: criteria provided, single submitter. Criteria: ACMG Guidelines, 2015. Collection method: clinical testing. Allele origin: germline. Observed: 1 variant allele.
Comment: BP7, PM2_supporting

Blueprint Genetics
Classification: Likely benign. Last evaluated: 2022-08-31. Review status: criteria provided, single submitter. Criteria: ACMG Guidelines, 2015. Collection method: clinical testing. Allele origin: germline.